The following is an entry in ClinVar:

ClinVar aggregate classification (germline): Uncertain significance (1 of 4 stars; one submission).

Conditions:
Hypertrophic cardiomyopathy 1 (CMH1). Also called: Familial hypertrophic cardiomyopathy 1; MYH7-Related Familial Hypertrophic Cardiomyopathy. Identifiers: MedGen C3495498, MONDO:0008647, OMIM 192600.

Submission:

Labcorp Genetics (formerly Invitae), Labcorp
Classification: Uncertain significance for Hypertrophic cardiomyopathy 1. Last evaluated: 2016-02-24. Review status: criteria provided, single submitter. Criteria: Invitae Variant Classification Sherloc (09022015). Collection method: clinical testing. Allele origin: germline.
Comment: This sequence change replaces glycine with serine at codon 135 of the MYLK2 protein (p.Gly135Ser). The glycine residue is highly conserved and there is a small physicochemical difference between glycine and serine. This variant is not present in population databases (ExAC no frequency) and has not been reported in the literature in individuals with a MYLK2-related disease. Algorithms developed to predict the effect of missense changes on protein structure and function (SIFT, PolyPhen-2, Align-GVGD) all suggest that this variant is likely to be tolerated, but these predictions have not been confirmed by published functional studies. In summary, this is a novel missense change that is not predicted to affect protein function or cause disease. However, the evidence is insufficient at this time to prove that conclusively. It has been classified as a Variant of Uncertain Significance.

NM_033118.4(MYLK2):c.403G>A (p.Gly135Ser)

Gene: MYLK2 (myosin light chain kinase 2; plus strand). Cytogenetic location: 20q11.21.
Variant type: single nucleotide variant.
Coding change: c.403G>A on transcript NM_033118.4 (MANE Select); coding-DNA position 403, G replaced by A.
Protein change: p.Gly135Ser; replaces glycine 135 with serine.
Molecular consequence: missense variant.
Genome position (GRCh38, 1-based): chr20:31,820,476, G>A. VCF-style: chr20-31820476-G-A. GRCh37 (hg19) VCF-style: chr20-30408279-G-A.
Other names: short protein forms G135S.
Identifiers: ClinVar variation 241743 (VCV000241743.8), dbSNP rs750838459, ClinGen allele CA10583871.